The following is an entry in ClinVar:

NM_001276270.2(MBD4):c.281T>A (p.Val94Glu)

Gene: MBD4 (methyl-CpG binding domain 4, DNA glycosylase; minus strand). Cytogenetic location: 3q21.3.
Variant type: single nucleotide variant.
Coding change: c.281T>A on transcript NM_001276270.2 (MANE Select); coding-DNA position 281, T replaced by A.
Protein change: p.Val94Glu; replaces valine 94 with glutamic acid.
Molecular consequence: missense variant. On other transcripts: intron variant (1).
Genome position (GRCh38, 1-based): chr3:129,437,774, A>T on the plus strand (T>A on the coding strand, the complement: MBD4 is on the minus strand). VCF-style: chr3-129437774-A-T. GRCh37 (hg19) VCF-style: chr3-129156617-A-T.
Other names: c.281T>A, p.Val94Glu (NM_001276271.2, NM_001276272.2, NM_003925.3); c.247+34T>A (NM_001276273.2); short protein forms V94E.
Identifiers: ClinVar variation 4805757 (VCV004805757.1).

ClinVar aggregate classification (germline): Uncertain significance (1 of 4 stars; one submission).

Submission:

Labcorp Genetics (formerly Invitae), Labcorp
Classification: Uncertain significance. Last evaluated: 2025-03-12. Review status: criteria provided, single submitter. Criteria: Invitae Variant Classification Sherloc (09022015). Collection method: clinical testing. Allele origin: germline.
Comment: This sequence change replaces valine, which is neutral and non-polar, with glutamic acid, which is acidic and polar, at codon 94 of the MBD4 protein (p.Val94Glu). This variant is present in population databases (no rsID available, gnomAD 0.003%). This variant has not been reported in the literature in individuals affected with MBD4-related conditions. An algorithm developed to predict the effect of missense changes on protein structure and function (PolyPhen-2) suggests that this variant is likely to be disruptive. In summary, the available evidence is currently insufficient to determine the role of this variant in disease. Therefore, it has been classified as a Variant of Uncertain Significance.